The following is an entry in ClinVar:

ClinVar aggregate classification (germline): Likely benign (1 of 4 stars; one submission).

gnomAD v4.1: 22 of 1,613,974 alleles (0.0014%); highest among the groups gnomAD compares: Middle Eastern, 0.016%; no homozygotes.

Submission:

CeGaT Center for Human Genetics Tuebingen
Classification: Likely benign. Last evaluated: 2026-05-01. Review status: criteria provided, single submitter. Criteria: CeGaT Center For Human Genetics Tuebingen Variant Classification Criteria Version 2. Collection method: clinical testing. Allele origin: germline. Affected: yes. Observed: 1 variant allele.
Comment: FBLN1: BP4

NM_006486.3(FBLN1):c.1942A>G (p.Ile648Val)

Gene: FBLN1 (fibulin 1; plus strand). Cytogenetic location: 22q13.31.
Variant type: single nucleotide variant.
Coding change: c.1942A>G on transcript NM_006486.3 (MANE Select); coding-DNA position 1942, A replaced by G.
Protein change: p.Ile648Val; replaces isoleucine 648 with valine.
Molecular consequence: missense variant.
Genome position (GRCh38, 1-based): chr22:45,577,078, A>G. VCF-style: chr22-45577078-A-G. GRCh37 (hg19) VCF-style: chr22-45972958-A-G.
Other names: short protein forms I648V.
Identifiers: ClinVar variation 4874047 (VCV004874047.2).